The following is an entry in ClinVar:

ClinVar aggregate classification (germline): Uncertain significance. Review status: criteria provided, multiple submitters, no conflicts (2 of 4 stars). 2 submissions from 2 submitters: Uncertain significance (2). Last evaluated 2025-04-09.

gnomAD v4.1: 56 of 1,550,532 alleles (0.0036%); highest among the groups gnomAD compares: South Asian, 0.0083%; no homozygotes.

Submissions (2):

ARUP Laboratories, Molecular Genetics and Genomics, ARUP Laboratories
Classification: Uncertain significance. Last evaluated: 2025-04-09. Review status: criteria provided, single submitter. Criteria: ARUP Molecular Germline Variant Investigation Process 2024. Collection method: clinical testing. Allele origin: germline.
Comment: The PIEZO1 c.6244C>T; p.Arg2082Cys variant (rs373854051), to our knowledge, is not reported in the medical literature or gene specific databases. This variant is only observed on seven alleles in the Genome Aggregation Database (v2.1.1), indicating it is not a common polymorphism. Computational analyses predict that this variant is deleterious (REVEL: 0.767). However, given the lack of clinical and functional data, the significance of this variant is uncertain at this time.

Revvity Omics, Revvity
Classification: Uncertain significance. Last evaluated: 2024-11-08. Review status: criteria provided, single submitter. Criteria: ACMG Guidelines, 2015. Collection method: clinical testing. Allele origin: germline.

NM_001142864.4(PIEZO1):c.6244C>T (p.Arg2082Cys)

Gene: PIEZO1 (piezo type mechanosensitive ion channel component 1 (Er blood group); minus strand). Cytogenetic location: 16q24.3.
Variant type: single nucleotide variant.
Coding change: c.6244C>T on transcript NM_001142864.4 (MANE Select); coding-DNA position 6244, C replaced by T.
Protein change: p.Arg2082Cys; replaces arginine 2082 with cysteine.
Molecular consequence: missense variant.
Genome position (GRCh38, 1-based): chr16:88,719,881, G>A on the plus strand (C>T on the coding strand, the complement: PIEZO1 is on the minus strand). VCF-style: chr16-88719881-G-A. GRCh37 (hg19) VCF-style: chr16-88786289-G-A.
Other names: short protein forms R2082C.
Identifiers: ClinVar variation 4079608 (VCV004079608.2).